The following is an entry in ClinVar:

ClinVar aggregate classification (germline): Uncertain significance (1 of 4 stars; one submission).

Submission:

Ambry Genetics
Classification: Uncertain significance. Last evaluated: 2024-06-11. Review status: criteria provided, single submitter. Criteria: Ambry Variant Classification Scheme 2023. Collection method: clinical testing. Allele origin: germline.
Comment: The p.V335I variant (also known as c.1003G>A), located in coding exon 3 of the ALPK2 gene, results from a G to A substitution at nucleotide position 1003. The valine at codon 335 is replaced by isoleucine, an amino acid with highly similar properties. This amino acid position is conserved. In addition, this alteration is predicted to be tolerated by in silico analysis. Based on the available evidence, the clinical significance of this variant remains unclear.

NM_052947.4(ALPK2):c.1003G>A (p.Val335Ile)

Genes: ALPK2 (alpha kinase 2; minus strand), LOC114803473 (ALPK2 eExon liver enhancer; plus strand). Cytogenetic location: 18q21.31.
Variant type: single nucleotide variant.
Coding change: c.1003G>A on transcript NM_052947.4 (MANE Select); coding-DNA position 1003, G replaced by A.
Protein change: p.Val335Ile; replaces valine 335 with isoleucine.
Molecular consequence: missense variant.
Genome position (GRCh38, 1-based): chr18:58,579,773, C>T on the plus strand (G>A on the coding strand, the complement: ALPK2 is on the minus strand). VCF-style: chr18-58579773-C-T. GRCh37 (hg19) VCF-style: chr18-56247005-C-T.
Other names: short protein forms V335I.
Identifiers: ClinVar variation 3289192 (VCV003289192.1).